The following is an entry in ClinVar:

NM_080680.3(COL11A2):c.1872+2T>C

Gene: COL11A2 (collagen type XI alpha 2 chain; minus strand). Cytogenetic location: 6p21.32.
Variant type: single nucleotide variant.
Coding change: c.1872+2T>C on transcript NM_080680.3 (MANE Select); the canonical splice donor site of the intron after coding-DNA position 1872, T replaced by C.
Molecular consequence: splice donor variant.
Genome position (GRCh38, 1-based): chr6:33,178,130, A>G on the plus strand (T>C on the coding strand, the complement: COL11A2 is on the minus strand). VCF-style: chr6-33178130-A-G. GRCh37 (hg19) VCF-style: chr6-33145907-A-G.
Other names: c.846+2T>C (NM_001424111.1, NM_001424110.1); c.1551+2T>C (NM_080679.3); c.1614+2T>C (NM_080681.3); c.1692+2T>C (NM_001424108.1); c.1026+2T>C (NM_001424109.1).
Identifiers: ClinVar variation 2772962 (VCV002772962.3), dbSNP rs2535184869, ClinGen allele CA363656085.

ClinVar aggregate classification (germline): Likely pathogenic (1 of 4 stars; one submission).

Submission:

Labcorp Genetics (formerly Invitae), Labcorp
Classification: Likely pathogenic. Last evaluated: 2023-11-01. Review status: criteria provided, single submitter. Criteria: Invitae Variant Classification Sherloc (09022015). Collection method: clinical testing. Allele origin: germline.
Comment: This sequence change affects a donor splice site in intron 21 of the COL11A2 gene. It is expected to disrupt RNA splicing. Variants that disrupt the donor or acceptor splice site typically lead to a loss of protein function (PMID: 16199547), and loss-of-function variants in COL11A2 are known to be pathogenic (PMID: 10677296, 21204229). This variant is not present in population databases (gnomAD no frequency). This variant has not been reported in the literature in individuals affected with COL11A2-related conditions. Algorithms developed to predict the effect of sequence changes on RNA splicing suggest that this variant may disrupt the consensus splice site. In summary, the currently available evidence indicates that the variant is pathogenic, but additional data are needed to prove that conclusively. Therefore, this variant has been classified as Likely Pathogenic.

Literature cited by the submitters: PubMed 16199547; PubMed 10677296; PubMed 21204229.